The following is an entry in ClinVar:

NM_001904.4(CTNNB1):c.1448A>T (p.Asn483Ile)

Genes: CTNNB1 (catenin beta 1; plus strand), LOC126806659 (BRD4-independent group 4 enhancer GRCh37_chr3:41274918-41276117; plus strand). Cytogenetic location: 3p22.1.
Variant type: single nucleotide variant.
Coding change: c.1448A>T on transcript NM_001904.4 (MANE Select); coding-DNA position 1448, A replaced by T.
Protein change: p.Asn483Ile; replaces asparagine 483 with isoleucine.
Molecular consequence: missense variant.
Genome position (GRCh38, 1-based): chr3:41,233,791, A>T. VCF-style: chr3-41233791-A-T. GRCh37 (hg19) VCF-style: chr3-41275282-A-T.
Other names: c.1448A>T, p.Asn483Ile (NM_001098209.2, NM_001098210.2, NM_001438871.1 and 4 more transcripts); c.1427A>T, p.Asn476Ile (NM_001330729.2); short protein forms N483I, N476I.
Identifiers: ClinVar variation 4715916 (VCV004715916.1).

ClinVar aggregate classification (germline): Uncertain significance (1 of 4 stars; one submission).

Submission:

Labcorp Genetics (formerly Invitae), Labcorp
Classification: Uncertain significance. Last evaluated: 2025-12-21. Review status: criteria provided, single submitter. Criteria: Invitae Variant Classification Sherloc (09022015). Collection method: clinical testing. Allele origin: germline.
Comment: This sequence change replaces asparagine, which is neutral and polar, with isoleucine, which is neutral and non-polar, at codon 483 of the CTNNB1 protein (p.Asn483Ile). This variant is not present in population databases (gnomAD no frequency). This variant has not been reported in the literature in individuals affected with CTNNB1-related conditions. Invitae Evidence Modeling of protein sequence and biophysical properties (such as structural, functional, and spatial information, amino acid conservation, physicochemical variation, residue mobility, and thermodynamic stability) indicates that this missense variant is expected to disrupt CTNNB1 protein function with a positive predictive value of 80%. In summary, the available evidence is currently insufficient to determine the role of this variant in disease. Therefore, it has been classified as a Variant of Uncertain Significance.